The following is an entry in ClinVar:

ClinVar aggregate classification (germline): Uncertain significance (1 of 4 stars; one submission).

Submission:

Labcorp Genetics (formerly Invitae), Labcorp
Classification: Uncertain significance. Last evaluated: 2022-05-28. Review status: criteria provided, single submitter. Criteria: Invitae Variant Classification Sherloc (09022015). Collection method: clinical testing. Allele origin: germline.
Comment: In summary, the available evidence is currently insufficient to determine the role of this variant in disease. Therefore, it has been classified as a Variant of Uncertain Significance. This variant has not been reported in the literature in individuals affected with GTPBP3-related conditions. Algorithms developed to predict the effect of missense changes on protein structure and function are either unavailable or do not agree on the potential impact of this missense change (SIFT: "Deleterious"; PolyPhen-2: "Probably Damaging"; Align-GVGD: "Class C0"). This variant is not present in population databases (gnomAD no frequency). This sequence change replaces leucine, which is neutral and non-polar, with phenylalanine, which is neutral and non-polar, at codon 301 of the GTPBP3 protein (p.Leu301Phe).

NM_032620.4(GTPBP3):c.805C>T (p.Leu269Phe)

Gene: GTPBP3 (GTP binding protein 3, mitochondrial; plus strand). Cytogenetic location: 19p13.11.
Variant type: single nucleotide variant.
Coding change: c.805C>T on transcript NM_032620.4 (MANE Select); coding-DNA position 805, C replaced by T.
Protein change: p.Leu269Phe; replaces leucine 269 with phenylalanine.
Molecular consequence: missense variant.
Genome position (GRCh38, 1-based): chr19:17,339,263, C>T. VCF-style: chr19-17339263-C-T. GRCh37 (hg19) VCF-style: chr19-17450072-C-T.
Other names: c.805C>T, p.Leu269Phe (NM_001128855.3); c.871C>T, p.Leu291Phe (NM_001195422.1); c.901C>T, p.Leu301Phe (NM_133644.4); short protein forms L269F, L291F, L301F.
Identifiers: ClinVar variation 2085841 (VCV002085841.4), dbSNP rs2074403071, ClinGen allele CA404737279.
Genomic context (GRCh38, chr19:17,339,263, plus strand): 5'-GGGGTGCACGTAGTGGTCACTGGACCCCCCAATGCGGGCAAGAGCAGCCTAGTGAACCTG[C>T]TCAGTGAGTAGGCGGCGGGAAGGGGGCGGGGCCTAGTGCCAGGGGCGGGGCCAAGAGCTG-3'
Protein context (NP_116009.2, residues 259-279): NAGKSSLVNL[Leu269Phe]SRKPVSIVSP